The following is an entry in ClinVar:

ClinVar aggregate classification (germline): Uncertain significance (1 of 4 stars; one submission).

Conditions:
Fanconi anemia (FA). Also called: Fanconi's anemia. Identifiers: Orphanet 84, MedGen C0015625, MeSH D005199, MONDO:0019391.

Submission:

Labcorp Genetics (formerly Invitae), Labcorp
Classification: Uncertain significance for Fanconi anemia. Last evaluated: 2025-10-14. Review status: criteria provided, single submitter. Criteria: Invitae Variant Classification Sherloc (09022015). Collection method: clinical testing. Allele origin: germline.
Comment: This sequence change replaces alanine, which is neutral and non-polar, with valine, which is neutral and non-polar, at codon 353 of the FANCD2 protein (p.Ala353Val). This variant is present in population databases (no rsID available, gnomAD 0.007%). This variant has not been reported in the literature in individuals affected with FANCD2-related conditions. Invitae Evidence Modeling of protein sequence and biophysical properties (such as structural, functional, and spatial information, amino acid conservation, physicochemical variation, residue mobility, and thermodynamic stability) indicates that this missense variant is expected to disrupt FANCD2 protein function with a positive predictive value of 80%. Algorithms developed to predict the effect of sequence changes on RNA splicing suggest that this variant may disrupt the consensus splice site. In summary, the available evidence is currently insufficient to determine the role of this variant in disease. Therefore, it has been classified as a Variant of Uncertain Significance.

NM_001018115.3(FANCD2):c.1058C>T (p.Ala353Val)

Genes: FANCD2 (FA complementation group D2; plus strand), LOC107303338 (3p25 FANCD2 Alu-mediated recombination region; plus strand). Cytogenetic location: 3p25.3.
Variant type: single nucleotide variant.
Coding change: c.1058C>T on transcript NM_001018115.3 (MANE Select); coding-DNA position 1058, C replaced by T.
Protein change: p.Ala353Val; replaces alanine 353 with valine.
Molecular consequence: missense variant.
Genome position (GRCh38, 1-based): chr3:10,043,552, C>T. VCF-style: chr3-10043552-C-T. GRCh37 (hg19) VCF-style: chr3-10085236-C-T.
Other names: c.1058C>T, p.Ala353Val (NM_001319984.2, NM_001374253.1, NM_001374254.1 and 1 more transcripts); short protein forms A353V.
Identifiers: ClinVar variation 4800392 (VCV004800392.1).